The following is an entry in ClinVar:

ClinVar aggregate classification (germline): Uncertain significance (1 of 4 stars; one submission).

Conditions:
Phenylketonuria (PKU). Also called: Phenylketonurias; FOLLING DISEASE; OLIGOPHRENIA PHENYLPYRUVICA; Phenylketonuria (PKU). Identifiers: Orphanet 716, MedGen C0031485, MONDO:0009861, OMIM 261600. Disease mechanism: loss of function.

Allele frequency attached by ClinVar (database versions not stated): gnomAD exomes below 0.00001.
gnomAD v4.1: 1 of 1,614,056 alleles (0.000062%); highest among the groups gnomAD compares: Non-Finnish European, 0.000085%; no homozygotes.

Submission:

Labcorp Genetics (formerly Invitae), Labcorp
Classification: Uncertain significance for Phenylketonuria. Last evaluated: 2023-11-27. Review status: criteria provided, single submitter. Criteria: Invitae Variant Classification Sherloc (09022015). Collection method: clinical testing. Allele origin: germline.
Comment: This sequence change replaces lysine, which is basic and polar, with glutamic acid, which is acidic and polar, at codon 185 of the PAH protein (p.Lys185Glu). This variant is not present in population databases (gnomAD no frequency). This variant has not been reported in the literature in individuals affected with PAH-related conditions. Advanced modeling of protein sequence and biophysical properties (such as structural, functional, and spatial information, amino acid conservation, physicochemical variation, residue mobility, and thermodynamic stability) performed at Invitae indicates that this missense variant is not expected to disrupt PAH protein function with a negative predictive value of 80%. In summary, the available evidence is currently insufficient to determine the role of this variant in disease. Therefore, it has been classified as a Variant of Uncertain Significance.

NM_000277.3(PAH):c.553A>G (p.Lys185Glu)

Gene: PAH (phenylalanine hydroxylase; minus strand). Cytogenetic location: 12q23.2.
Variant type: single nucleotide variant.
Coding change: c.553A>G on transcript NM_000277.3 (MANE Select); coding-DNA position 553, A replaced by G.
Protein change: p.Lys185Glu; replaces lysine 185 with glutamic acid.
Molecular consequence: missense variant.
Genome position (GRCh38, 1-based): chr12:102,855,289, T>C on the plus strand (A>G on the coding strand, the complement: PAH is on the minus strand). VCF-style: chr12-102855289-T-C. GRCh37 (hg19) VCF-style: chr12-103249067-T-C.
Other names: c.553A>G, p.Lys185Glu (NM_001354304.2); short protein forms K185E.
Identifiers: ClinVar variation 2765012 (VCV002765012.3), dbSNP rs2499626324, ClinGen allele CA386296889.